The following is an entry in ClinVar:

ClinVar aggregate classification (germline): Benign/Likely benign. Review status: criteria provided, multiple submitters, no conflicts (2 of 4 stars). 3 submissions from 3 submitters: Benign (1); Likely benign (2). Last evaluated 2025-11-09.

Conditions:
Hereditary cancer-predisposing syndrome. Also called: Tumor predisposition; Hereditary Cancer Syndrome; Neoplastic Syndromes, Hereditary; Hereditary neoplastic syndrome. Identifiers: Orphanet 140162, MedGen C0027672, MeSH D009386, MONDO:0015356.
Breast-ovarian cancer, familial, susceptibility to, 3. Also called: RAD51C-Related Breast/Ovarian Cancer. Identifiers: Orphanet 145, MedGen C3150659, MONDO:0013253, OMIM 613399.
Fanconi anemia complementation group O. Also called: RAD51C-Related Fanconi Anemia. Identifiers: Orphanet 84, MedGen C3150653, MONDO:0013248, OMIM 613390.

Submissions (3):

Labcorp Genetics (formerly Invitae), Labcorp
Classification: Likely benign for Fanconi anemia complementation group O. Last evaluated: 2025-11-09. Review status: criteria provided, single submitter. Criteria: Invitae Variant Classification Sherloc (09022015). Collection method: clinical testing. Allele origin: germline.

Myriad Genetics, Inc.
Classification: Benign for Breast-ovarian cancer, familial, susceptibility to, 3. Last evaluated: 2025-02-19. Review status: criteria provided, single submitter. Criteria: Myriad Autosomal Dominant, Autosomal Recessive and X-Linked Classification Criteria (2023). Collection method: clinical testing. Allele origin: unknown.
Comment: This variant is considered benign. This variant is a silent/synonymous amino acid change and it is not expected to impact splicing.

Ambry Genetics
Classification: Likely benign for Hereditary cancer-predisposing syndrome. Last evaluated: 2019-10-12. Review status: criteria provided, single submitter. Criteria: Ambry Variant Classification Scheme 2023. Collection method: clinical testing. Allele origin: germline.

NM_058216.3(RAD51C):c.816T>G (p.Leu272=)

Gene: RAD51C (RAD51 paralog C; plus strand). Cytogenetic location: 17q22.
Variant type: single nucleotide variant.
Coding change: c.816T>G on transcript NM_058216.3 (MANE Select); coding-DNA position 816, T replaced by G.
Protein change: p.Leu272=; no amino-acid change (leucine 272 retained).
Molecular consequence: synonymous variant. On other transcripts: non-coding transcript variant (1).
Genome position (GRCh38, 1-based): chr17:58,709,969, T>G. VCF-style: chr17-58709969-T-G. GRCh37 (hg19) VCF-style: chr17-56787330-T-G.
Identifiers: ClinVar variation 748479 (VCV000748479.12), dbSNP rs1598484799, ClinGen allele CA501075635.